The following is an entry in ClinVar:

ClinVar aggregate classification (germline): Uncertain significance (1 of 4 stars; one submission).

Submission:

CeGaT Center for Human Genetics Tuebingen
Classification: Uncertain significance. Last evaluated: 2024-11-01. Review status: criteria provided, single submitter. Criteria: CeGaT Center For Human Genetics Tuebingen Variant Classification Criteria Version 2. Collection method: clinical testing. Allele origin: germline. Affected: yes. Observed: 1 variant allele.
Comment: MOS: PM2

NM_005372.1(MOS):c.349A>G (p.Ile117Val)

Gene: MOS (MOS proto-oncogene, serine/threonine kinase; minus strand). Cytogenetic location: 8q12.1.
Variant type: single nucleotide variant.
Coding change: c.349A>G on transcript NM_005372.1 (MANE Select); coding-DNA position 349, A replaced by G.
Protein change: p.Ile117Val; replaces isoleucine 117 with valine.
Molecular consequence: missense variant.
Genome position (GRCh38, 1-based): chr8:56,113,634, T>C on the plus strand (A>G on the coding strand, the complement: MOS is on the minus strand). VCF-style: chr8-56113634-T-C. GRCh37 (hg19) VCF-style: chr8-57026193-T-C.
Other names: short protein forms I117V.
Identifiers: ClinVar variation 3388932 (VCV003388932.14).